The following is an entry in ClinVar:

NM_000719.7(CACNA1C):c.5220T>G (p.Thr1740=)

Genes: CACNA1C (calcium voltage-gated channel subunit alpha1 C; plus strand), CACNA1C-AS1 (CACNA1C antisense RNA 1; minus strand). Cytogenetic location: 12p13.33.
Variant type: single nucleotide variant.
Coding change: c.5220T>G on transcript NM_000719.7 (MANE Select); coding-DNA position 5220, T replaced by G.
Protein change: p.Thr1740=; no amino-acid change (threonine 1740 retained).
Molecular consequence: synonymous variant.
Genome position (GRCh38, 1-based): chr12:2,679,572, T>G. VCF-style: chr12-2679572-T-G. GRCh37 (hg19) VCF-style: chr12-2788738-T-G.
Other names: c.5364T>G, p.Thr1788= (NM_001129827.2, NM_199460.4); c.5343T>G, p.Thr1781= (NM_001129829.2); c.5220T>G, p.Thr1740= (NM_001129830.3, NM_001129840.2, NM_001129841.2 and 4 more transcripts); c.5304T>G, p.Thr1768= (NM_001129831.2); c.5280T>G, p.Thr1760= (NM_001129832.2); c.5277T>G, p.Thr1759= (NM_001129833.2, NM_001129834.2, NM_001129835.2); c.5271T>G, p.Thr1757= (NM_001129836.2); c.5244T>G, p.Thr1748= (NM_001129837.2, NM_001129838.2); and 3 more.
Identifiers: ClinVar variation 1618983 (VCV001618983.11), dbSNP rs1319539049, ClinGen allele CA478087788.

ClinVar aggregate classification (germline): Likely benign. Review status: criteria provided, multiple submitters, no conflicts (2 of 4 stars). 3 submissions from 3 submitters: Likely benign (3). Last evaluated 2026-05-23.

Conditions:
Cardiovascular phenotype. Identifiers: MedGen CN230736.
CACNA1C-related disorder. Also called: CACNA1C-related disorders; CACNA1C-related condition. Identifiers: MedGen CN381092, MONDO:0700321.
Long QT syndrome (LQTS). Identifiers: MedGen C0023976, MeSH D008133, MONDO:0002442. Disease mechanism: loss of function. Inheritance: Various modes of inheritance.

Allele frequency attached by ClinVar (database versions not stated): gnomAD exomes below 0.00001; gnomAD 0.00001.
gnomAD v4.1: 5 of 1,613,466 alleles (0.00031%); highest among the groups gnomAD compares: African/African-American, 0.0053%; no homozygotes.

Submissions (3):

PreventionGenetics, part of Exact Sciences
Classification: Likely benign for CACNA1C-related condition. Last evaluated: 2026-05-23. Review status: criteria provided, single submitter. Criteria: ACMG Guidelines, 2015. Collection method: clinical testing. Allele origin: germline.
Comment: This variant is classified as likely benign based on ACMG/AMP sequence variant interpretation guidelines (Richards et al. 2015 PMID: 25741868, with internal and published modifications).

Labcorp Genetics (formerly Invitae), Labcorp
Classification: Likely benign for Long QT syndrome. Last evaluated: 2025-08-20. Review status: criteria provided, single submitter. Criteria: Invitae Variant Classification Sherloc (09022015). Collection method: clinical testing. Allele origin: germline.

Ambry Genetics
Classification: Likely benign for Cardiovascular phenotype. Last evaluated: 2021-06-14. Review status: criteria provided, single submitter. Criteria: Ambry Variant Classification Scheme 2023. Collection method: clinical testing. Allele origin: germline.